The following is an entry in ClinVar:

ClinVar aggregate classification (germline): Likely benign. Review status: criteria provided, single submitter (1 of 4 stars). 2 submissions from 2 submitters: Likely benign (1). 1 of the submissions does not count toward it. Last evaluated 2017-02-01.

Allele frequency attached by ClinVar (database versions not stated): gnomAD 0.00001; TOPMed below 0.00001; gnomAD exomes below 0.00001.
gnomAD v4.1: 2 of 496,772 alleles (0.0004%); highest among the groups gnomAD compares: Non-Finnish European, 0.00073%; no homozygotes.

Submissions (2):

GeneDx
Classification: Likely benign. Last evaluated: 2017-02-01. Review status: criteria provided, single submitter. Criteria: GeneDx Variant Classification (06012015). Collection method: clinical testing. Allele origin: germline. Affected: yes.
Comment: This variant is considered likely benign or benign based on one or more of the following criteria: it is a conservative change, it occurs at a poorly conserved position in the protein, it is predicted to be benign by multiple in silico algorithms, and/or has population frequency not consistent with disease.

Institute. of Biochemistry and Experimental Oncology, First Faculty of Medicine, Charles University in Prague
No classification provided. Review status: no classification provided. Collection method: not provided. Allele origin: germline. Not counted in ClinVar's aggregate classification.
Comment: Characterized in 1 out of 340 Non Hodgkin lymphoma patients

NM_007194.4(CHEK2):c.-34A>T

Gene: CHEK2 (checkpoint kinase 2; minus strand). Cytogenetic location: 22q12.1.
Variant type: single nucleotide variant.
Coding change: c.-34A>T on transcript NM_007194.4 (MANE Select); 34 bases upstream of the start codon, A replaced by T.
Molecular consequence: 5 prime UTR variant.
Genome position (GRCh38, 1-based): chr22:28,741,796, T>A on the plus strand (A>T on the coding strand, the complement: CHEK2 is on the minus strand). VCF-style: chr22-28741796-T-A. GRCh37 (hg19) VCF-style: chr22-29137784-T-A.
Other names: chr22:29,137,782T>A; c.-34A>T (NM_001005735.3, NM_001349956.3, NM_145862.3); c.-811A>T (NM_001257387.3).
Identifiers: ClinVar variation 126902 (VCV000126902.1), dbSNP rs121908696, ClinGen allele CA230678.